The following is an entry in ClinVar:

NM_000283.4(PDE6B):c.1042G>T (p.Val348Leu)

Gene: PDE6B (phosphodiesterase 6B; plus strand). Cytogenetic location: 4p16.3.
Variant type: single nucleotide variant.
Coding change: c.1042G>T on transcript NM_000283.4 (MANE Select); coding-DNA position 1042, G replaced by T.
Protein change: p.Val348Leu; replaces valine 348 with leucine.
Molecular consequence: missense variant. On other transcripts: intron variant (1).
Genome position (GRCh38, 1-based): chr4:655,989, G>T. VCF-style: chr4-655989-G-T. GRCh37 (hg19) VCF-style: chr4-649778-G-T.
Other names: c.1042G>T, p.Val348Leu (NM_001145291.2); c.205G>T, p.Val69Leu (NM_001145292.2, NM_001350154.3, NM_001379246.1 and 1 more transcripts); c.-48-885G>T (NM_001350155.3); short protein forms V348L, V69L.
Identifiers: ClinVar variation 2048415 (VCV002048415.4), dbSNP rs780144677, ClinGen allele CA355912580.

ClinVar aggregate classification (germline): Uncertain significance (1 of 4 stars; one submission).

Submission:

Labcorp Genetics (formerly Invitae), Labcorp
Classification: Uncertain significance. Last evaluated: 2021-12-19. Review status: criteria provided, single submitter. Criteria: Invitae Variant Classification Sherloc (09022015). Collection method: clinical testing. Allele origin: germline.
Comment: This variant is not present in population databases (gnomAD no frequency). This sequence change replaces valine, which is neutral and non-polar, with leucine, which is neutral and non-polar, at codon 348 of the PDE6B protein (p.Val348Leu). This variant has not been reported in the literature in individuals affected with PDE6B-related conditions. Algorithms developed to predict the effect of missense changes on protein structure and function (SIFT, PolyPhen-2, Align-GVGD) all suggest that this variant is likely to be tolerated. In summary, the available evidence is currently insufficient to determine the role of this variant in disease. Therefore, it has been classified as a Variant of Uncertain Significance.